The following is an entry in ClinVar:

ClinVar aggregate classification (germline): Uncertain significance (1 of 4 stars; one submission).

Submission:

GeneDx
Classification: Uncertain significance. Last evaluated: 2024-12-04. Review status: criteria provided, single submitter. Criteria: GeneDx Variant Classification Process June 2021. Collection method: clinical testing. Allele origin: germline. Affected: yes.
Comment: Not observed at significant frequency in large population cohorts (gnomAD); In silico analysis supports that this missense variant has a deleterious effect on protein structure/function; Has not been previously published as pathogenic or benign to our knowledge

NM_014991.6(WDFY3):c.7657G>A (p.Gly2553Arg)

Gene: WDFY3 (WD repeat and FYVE domain containing 3; minus strand). Cytogenetic location: 4q21.23.
Variant type: single nucleotide variant.
Coding change: c.7657G>A on transcript NM_014991.6 (MANE Select); coding-DNA position 7657, G replaced by A.
Protein change: p.Gly2553Arg; replaces glycine 2553 with arginine.
Molecular consequence: missense variant.
Genome position (GRCh38, 1-based): chr4:84,718,519, C>T on the plus strand (G>A on the coding strand, the complement: WDFY3 is on the minus strand). VCF-style: chr4-84718519-C-T. GRCh37 (hg19) VCF-style: chr4-85639672-C-T.
Other names: short protein forms G2553R.
Identifiers: ClinVar variation 3901308 (VCV003901308.1).
Genomic context (GRCh38, chr4:84,718,519, plus strand): 5'-TTGCTGTCATGGTAAATCCATCAATCACATAAAAATGCTCTTTACCAAAAAGAAGGAGCC[C>T]CTCACTGGTATCTAGGCCCTGGACTCGAGCACAGCGGTACATGTGTTGGATCTATAAAGA-3'
Protein context (NP_055806.2, residues 2543-2563): ARVQGLDTSE[Gly2553Arg]LLLFGKEHFY